The following is an entry in ClinVar:

NM_000064.4(C3):c.899T>C (p.Val300Ala)

Gene: C3 (complement C3; minus strand). Cytogenetic location: 19p13.3.
Variant type: single nucleotide variant.
Coding change: c.899T>C on transcript NM_000064.4 (MANE Select); coding-DNA position 899, T replaced by C.
Protein change: p.Val300Ala; replaces valine 300 with alanine.
Molecular consequence: missense variant.
Genome position (GRCh38, 1-based): chr19:6,713,293, A>G on the plus strand (T>C on the coding strand, the complement: C3 is on the minus strand). VCF-style: chr19-6713293-A-G. GRCh37 (hg19) VCF-style: chr19-6713304-A-G.
Other names: short protein forms V300A.
Identifiers: ClinVar variation 1433256 (VCV001433256.9), dbSNP rs756370451, ClinGen allele CA9129624.

ClinVar aggregate classification (germline): Uncertain significance. Review status: criteria provided, multiple submitters, no conflicts (2 of 4 stars). 2 submissions from 2 submitters: Uncertain significance (2). Last evaluated 2025-11-23.

Conditions:
Age related macular degeneration 9. Identifiers: MedGen C1969651, MONDO:0012659, OMIM 611378.
Atypical hemolytic-uremic syndrome with C3 anomaly. Also called: AHUS, SUSCEPTIBILITY TO, 5. Identifiers: Orphanet 2134, MedGen C2752037, MONDO:0013043, OMIM 612925.
Complement component 3 deficiency. Identifiers: Orphanet 280133, MedGen C3151071, MONDO:0013417, OMIM 613779.

Allele frequency attached by ClinVar (database versions not stated): gnomAD 0.00001; gnomAD exomes 0.00001; TOPMed 0.00001; ExAC 0.00002.
gnomAD v4.1: 7 of 1,613,140 alleles (0.00043%); highest among the groups gnomAD compares: African/African-American, 0.0013%; no homozygotes.

Submissions (2):

Labcorp Genetics (formerly Invitae), Labcorp
Classification: Uncertain significance. Last evaluated: 2025-11-23. Review status: criteria provided, single submitter. Criteria: Invitae Variant Classification Sherloc (09022015). Collection method: clinical testing. Allele origin: germline.
Comment: This sequence change replaces valine, which is neutral and non-polar, with alanine, which is neutral and non-polar, at codon 300 of the C3 protein (p.Val300Ala). This variant is present in population databases (rs756370451, gnomAD 0.003%). This variant has not been reported in the literature in individuals affected with C3-related conditions. ClinVar contains an entry for this variant (Variation ID: 1433256). Invitae Evidence Modeling of protein sequence and biophysical properties (such as structural, functional, and spatial information, amino acid conservation, physicochemical variation, residue mobility, and thermodynamic stability) indicates that this missense variant is not expected to disrupt C3 protein function with a negative predictive value of 80%. In summary, the available evidence is currently insufficient to determine the role of this variant in disease. Therefore, it has been classified as a Variant of Uncertain Significance.

Fulgent Genetics
Classification: Uncertain significance for Age related macular degeneration 9; Atypical hemolytic-uremic syndrome with C3 anomaly; Complement component 3 deficiency. Last evaluated: 2022-03-16. Review status: criteria provided, single submitter. Criteria: ACMG Guidelines, 2015. Collection method: clinical testing. Allele origin: unknown.